The following is an entry in ClinVar:

ClinVar aggregate classification (germline): Uncertain significance (1 of 4 stars; one submission).

Submission:

Women's Health and Genetics/Laboratory Corporation of America, LabCorp
Classification: Uncertain significance. Last evaluated: 2024-10-07. Review status: criteria provided, single submitter. Criteria: LabCorp Variant Classification Summary - May 2015. Collection method: clinical testing. Allele origin: germline.
Comment: Variant summary: SAMD9L c.249C>A (p.Asp83Glu) results in a conservative amino acid change in the encoded protein sequence. Five of five in-silico tools predict a benign effect of the variant on protein function. The variant was absent in 251296 control chromosomes. The available data on variant occurrences in the general population are insufficient to allow any conclusion about variant significance. To our knowledge, no occurrence of c.249C>A in individuals affected with SAMD9L-Related Disorders and no experimental evidence demonstrating its impact on protein function have been reported. No submitters have cited clinical-significance assessments for this variant to ClinVar. Based on the evidence outlined above, the variant was classified as uncertain significance.

NM_152703.5(SAMD9L):c.249C>A (p.Asp83Glu)

Gene: SAMD9L (sterile alpha motif domain containing 9 like; minus strand). Cytogenetic location: 7q21.2.
Variant type: single nucleotide variant.
Coding change: c.249C>A on transcript NM_152703.5 (MANE Select); coding-DNA position 249, C replaced by A.
Protein change: p.Asp83Glu; replaces aspartic acid 83 with glutamic acid.
Molecular consequence: missense variant.
Genome position (GRCh38, 1-based): chr7:93,135,723, G>T on the plus strand (C>A on the coding strand, the complement: SAMD9L is on the minus strand). VCF-style: chr7-93135723-G-T. GRCh37 (hg19) VCF-style: chr7-92765036-G-T.
Other names: c.249C>A, p.Asp83Glu (NM_001303496.3, NM_001303497.3, NM_001303498.3 and 5 more transcripts); short protein forms D83E.
Identifiers: ClinVar variation 3384898 (VCV003384898.1).
Genomic context (GRCh38, chr7:93,135,723, plus strand): 5'-ATTTTTCTGGTGTTCTGTTTTGGACGGTTTTGAATTATCTAATTGTCCCGGATCATGATT[G>T]TCACTTTCAGGGGACTTACTATTCAATTTGTTGTATGAACGTTTTATCAAAAGTGCTGGA-3'
Protein context (NP_689916.2, residues 73-93): NKLNSKSPES[Asp83Glu]NHDPGQLDNS